The following is an entry in ClinVar:

ClinVar aggregate classification (germline): Uncertain significance. Review status: criteria provided, multiple submitters, no conflicts (2 of 4 stars). 2 submissions from 2 submitters: Uncertain significance (2). Last evaluated 2023-04-03.

Conditions:
Sitosterolemia (STSL). Also called: PHYTOSTEROLEMIA. Identifiers: Orphanet 2882, MedGen C0342907, MONDO:0008863.
Cardiovascular phenotype. Identifiers: MedGen CN230736.

gnomAD v4.1: 4 of 1,614,188 alleles (0.00025%); highest among the groups gnomAD compares: South Asian, 0.0011%; no homozygotes.

Submissions (2):

Ambry Genetics
Classification: Uncertain significance for Cardiovascular phenotype. Last evaluated: 2023-04-03. Review status: criteria provided, single submitter. Criteria: Ambry Variant Classification Scheme 2023. Collection method: clinical testing. Allele origin: germline.
Comment: The c.1180C>A (p.L394M) alteration is located in coding exon 9 of the ABCG5 gene. This alteration results from a C to A substitution at nucleotide position 1180, causing the leucine (L) at amino acid position 394 to be replaced by a methionine (M). This allele was reported in one heterozygous individual in population-based cohorts in the Genome Aggregation Database (gnomAD). This amino acid position is well conserved in available vertebrate species. This alteration is predicted to be tolerated by in silico analysis. Based on insufficient or conflicting evidence, the clinical significance of this alteration remains unclear.

Labcorp Genetics (formerly Invitae), Labcorp
Classification: Uncertain significance for Sitosterolemia. Last evaluated: 2022-10-12. Review status: criteria provided, single submitter. Criteria: Invitae Variant Classification Sherloc (09022015). Collection method: clinical testing. Allele origin: germline.
Comment: This sequence change replaces leucine, which is neutral and non-polar, with methionine, which is neutral and non-polar, at codon 394 of the ABCG5 protein (p.Leu394Met). This variant is present in population databases (rs771802286, gnomAD no frequency). This missense change has been observed in individual(s) with familial hypercholesterolemia (PMID: 29353225, 32088153). Algorithms developed to predict the effect of missense changes on protein structure and function output the following: SIFT: "Deleterious"; PolyPhen-2: "Possibly Damaging"; Align-GVGD: "Class C0". The methionine amino acid residue is found in multiple mammalian species, which suggests that this missense change does not adversely affect protein function. In summary, the available evidence is currently insufficient to determine the role of this variant in disease. Therefore, it has been classified as a Variant of Uncertain Significance.

Literature cited by the submitters: PubMed 29353225 (cited by Ambry Genetics and Labcorp Genetics (formerly Invitae), Labcorp); PubMed 32088153 (cited by Labcorp Genetics (formerly Invitae), Labcorp).

NM_022436.3(ABCG5):c.1180C>A (p.Leu394Met)

Genes: ABCG5 (ATP binding cassette subfamily G member 5; minus strand), DYNC2LI1 (dynein cytoplasmic 2 light intermediate chain 1; plus strand). Cytogenetic location: 2p21.
Variant type: single nucleotide variant.
Coding change: c.1180C>A on transcript NM_022436.3 (MANE Select); coding-DNA position 1180, C replaced by A.
Protein change: p.Leu394Met; replaces leucine 394 with methionine.
Molecular consequence: missense variant. On other transcripts: intron variant (2).
Genome position (GRCh38, 1-based): chr2:43,824,057, G>T on the plus strand (C>A on the coding strand, the complement: ABCG5 is on the minus strand). VCF-style: chr2-43824057-G-T. GRCh37 (hg19) VCF-style: chr2-44051196-G-T.
Other names: c.*16-3329G>T (NM_001348913.2, NM_001348912.2); short protein forms L394M.
Identifiers: ClinVar variation 2202183 (VCV002202183.3), dbSNP rs771802286, ClinGen allele CA1636375.